The following is an entry in ClinVar:

NM_000026.4(ADSL):c.100T>C (p.Tyr34His)

Gene: ADSL (adenylosuccinate lyase; plus strand). Cytogenetic location: 22q13.1.
Variant type: single nucleotide variant.
Coding change: c.100T>C on transcript NM_000026.4 (MANE Select); coding-DNA position 100, T replaced by C.
Protein change: p.Tyr34His; replaces tyrosine 34 with histidine.
Molecular consequence: missense variant. On other transcripts: non-coding transcript variant (1), splice donor variant (1).
Genome position (GRCh38, 1-based): chr22:40,346,658, T>C. VCF-style: chr22-40346658-T-C. GRCh37 (hg19) VCF-style: chr22-40742662-T-C.
Other names: c.100T>C, p.Tyr34His (NM_001123378.3, NM_001363840.3, NM_001410812.1 and 2 more transcripts); c.-40+2T>C (NM_001317923.2); short protein forms Y34H.
Identifiers: ClinVar variation 1025621 (VCV001025621.8), dbSNP rs1434292876, ClinGen allele CA411632761.

ClinVar aggregate classification (germline): Uncertain significance (1 of 4 stars; one submission).

Conditions:
Adenylosuccinate lyase deficiency (ADSLD). Also called: ADSL DEFICIENCY. Identifiers: Orphanet 46, MedGen C0268126, MONDO:0007068, OMIM 103050.

Allele frequency attached by ClinVar (database versions not stated): gnomAD exomes below 0.00001.
gnomAD v4.1: 4 of 1,613,030 alleles (0.00025%); highest among the groups gnomAD compares: Non-Finnish European, 0.00017%; no homozygotes.

Submission:

Labcorp Genetics (formerly Invitae), Labcorp
Classification: Uncertain significance for Adenylosuccinate lyase deficiency. Last evaluated: 2024-04-16. Review status: criteria provided, single submitter. Criteria: Invitae Variant Classification Sherloc (09022015). Collection method: clinical testing. Allele origin: germline.
Comment: This sequence change replaces tyrosine, which is neutral and polar, with histidine, which is basic and polar, at codon 34 of the ADSL protein (p.Tyr34His). This variant is present in population databases (no rsID available, gnomAD 0.0009%). This variant has not been reported in the literature in individuals affected with ADSL-related conditions. ClinVar contains an entry for this variant (Variation ID: 1025621). Advanced modeling of protein sequence and biophysical properties (such as structural, functional, and spatial information, amino acid conservation, physicochemical variation, residue mobility, and thermodynamic stability) performed at Invitae indicates that this missense variant is not expected to disrupt ADSL protein function with a negative predictive value of 80%. In summary, the available evidence is currently insufficient to determine the role of this variant in disease. Therefore, it has been classified as a Variant of Uncertain Significance.